The following is an entry in ClinVar:

ClinVar aggregate classification (germline): Uncertain significance. Review status: criteria provided, multiple submitters, no conflicts (2 of 4 stars). 2 submissions from 2 submitters: Uncertain significance (2). Last evaluated 2024-08-20.

Conditions:
Hereditary cancer-predisposing syndrome. Also called: Neoplastic Syndromes, Hereditary; Hereditary Cancer Syndrome; Hereditary neoplastic syndrome; Tumor predisposition. Identifiers: Orphanet 140162, MedGen C0027672, MeSH D009386, MONDO:0015356.
Cardiovascular phenotype. Identifiers: MedGen CN230736.
Neurofibromatosis, type 1 (NF1). Also called: NEUROFIBROMATOSIS, TYPE I, SOMATIC; VON RECKLINGHAUSEN DISEASE; Neurofibromatosis, type I; Peripheral type neurofibromatosis. Identifiers: Orphanet 636, MedGen C0027831, MONDO:0018975, OMIM 162200. Disease mechanism: loss of function.

Allele frequency attached by ClinVar (database versions not stated): gnomAD exomes below 0.00001; ExAC 0.00001.

Submissions (2):

Ambry Genetics
Classification: Uncertain significance for Cardiovascular phenotype; Hereditary cancer-predisposing syndrome. Last evaluated: 2024-08-20. Review status: criteria provided, single submitter. Criteria: Ambry Variant Classification Scheme 2023. Collection method: clinical testing. Allele origin: germline.
Comment: The p.H2402Y variant (also known as c.7204C>T), located in coding exon 48 of the NF1 gene, results from a C to T substitution at nucleotide position 7204. The histidine at codon 2402 is replaced by tyrosine, an amino acid with similar properties. This amino acid position is highly conserved in available vertebrate species. In addition, this alteration is predicted to be tolerated by in silico analysis. Based on the available evidence, the clinical significance of this variant remains unclear.

Labcorp Genetics (formerly Invitae), Labcorp
Classification: Uncertain significance for Neurofibromatosis, type 1. Last evaluated: 2021-10-05. Review status: criteria provided, single submitter. Criteria: Invitae Variant Classification Sherloc (09022015). Collection method: clinical testing. Allele origin: germline.
Comment: In summary, the available evidence is currently insufficient to determine the role of this variant in disease. Therefore, it has been classified as a Variant of Uncertain Significance. Algorithms developed to predict the effect of missense changes on protein structure and function are either unavailable or do not agree on the potential impact of this missense change (SIFT: "Deleterious"; PolyPhen-2: "Probably Damaging"; Align-GVGD: "Class C0"). This variant has not been reported in the literature in individuals affected with NF1-related conditions. This variant is present in population databases (rs761299521, ExAC 0.002%). This sequence change replaces histidine with tyrosine at codon 2402 of the NF1 protein (p.His2402Tyr). The histidine residue is moderately conserved and there is a moderate physicochemical difference between histidine and tyrosine.

NM_001042492.3(NF1):c.7267C>T (p.His2423Tyr)

Gene: NF1 (neurofibromin 1; plus strand). Cytogenetic location: 17q11.2.
Variant type: single nucleotide variant.
Coding change: c.7267C>T on transcript NM_001042492.3 (MANE Select); coding-DNA position 7267, C replaced by T.
Protein change: p.His2423Tyr; replaces histidine 2423 with tyrosine.
Molecular consequence: missense variant.
Genome position (GRCh38, 1-based): chr17:31,349,197, C>T. VCF-style: chr17-31349197-C-T. GRCh37 (hg19) VCF-style: chr17-29676215-C-T.
Other names: c.7204C>T, p.His2402Tyr (NM_000267.4); short protein forms H2402Y, H2423Y.
Identifiers: ClinVar variation 646107 (VCV000646107.9), dbSNP rs761299521, ClinGen allele CA8487533.